The following is an entry in ClinVar:

ClinVar aggregate classification (germline): Likely benign (0 of 4 stars; one submission).

Conditions:
MC3R-related disorder. Also called: MC3R-related condition.

Allele frequency attached by ClinVar (database versions not stated): gnomAD exomes 0.00003; gnomAD 0.00004; TOPMed 0.00008; ExAC 0.00011; 1000 Genomes Project 30x 0.00062; 1000 Genomes Project 0.00080.

Submission:

PreventionGenetics, part of Exact Sciences
Classification: Likely benign for MC3R-related condition. Last evaluated: 2023-07-14. Review status: no assertion criteria provided. Collection method: clinical testing. Allele origin: germline.
Comment: This variant is classified as likely benign based on ACMG/AMP sequence variant interpretation guidelines (Richards et al. 2015 PMID: 25741868, with internal and published modifications).

NM_019888.3(MC3R):c.94A>T (p.Ser32Cys)

Gene: MC3R (melanocortin 3 receptor; plus strand). Cytogenetic location: 20q13.2.
Variant type: single nucleotide variant.
Coding change: c.94A>T on transcript NM_019888.3 (MANE Select); coding-DNA position 94, A replaced by T.
Protein change: p.Ser32Cys; replaces serine 32 with cysteine.
Molecular consequence: missense variant.
Genome position (GRCh38, 1-based): chr20:56,248,937, A>T. VCF-style: chr20-56248937-A-T. GRCh37 (hg19) VCF-style: chr20-54823993-A-T.
Other names: short protein forms S32C.
Identifiers: ClinVar variation 3054828 (VCV003054828.2), dbSNP rs184418987, ClinGen allele CA9916924.